The following is an entry in ClinVar:

NM_001083962.2(TCF4):c.550-2A>C

Gene: TCF4 (transcription factor 4; minus strand). Cytogenetic location: 18q21.2.
Variant type: single nucleotide variant.
Coding change: c.550-2A>C on transcript NM_001083962.2 (MANE Select); the canonical splice acceptor site of the intron before coding-DNA position 550, A replaced by C.
Molecular consequence: splice acceptor variant. On other transcripts: missense variant (1).
Genome position (GRCh38, 1-based): chr18:55,279,658, T>G on the plus strand (A>C on the coding strand, the complement: TCF4 is on the minus strand). VCF-style: chr18-55279658-T-G. GRCh37 (hg19) VCF-style: chr18-52946889-T-G.
Other names: c.566A>C, p.Gln189Pro (NM_001243228.2); c.856-2A>C (NM_001243226.3); c.475-2A>C (NM_001369584.1, NM_001369576.1, NM_001369585.1 and 3 more transcripts); c.478-2A>C (NM_001369577.1, NM_001369582.1, NM_001243227.2 and 9 more transcripts); c.550-2A>C (NM_001369571.1, NM_001369567.1, NM_001369572.1 and 4 more transcripts); c.544-2A>C (NM_001243230.2); c.547-2A>C (NM_001369569.1, NM_001369573.1, NM_001369570.1); c.424-2A>C (NM_001243231.2, NM_001348211.2); and 4 more; short protein forms Q189P.
Identifiers: ClinVar variation 1801855 (VCV001801855.1), dbSNP rs863224934, ClinGen allele CA402701941.

ClinVar aggregate classification (germline): Pathogenic (1 of 4 stars; one submission).

Submission:

GeneDx
Classification: Pathogenic. Last evaluated: 2022-06-02. Review status: criteria provided, single submitter. Criteria: GeneDx Variant Classification Process June 2021. Collection method: clinical testing. Allele origin: germline. Affected: yes.
Comment: Canonical splice site variant predicted to result in a null allele in a gene for which loss of function is a known mechanism of disease; Not observed at significant frequency in large population cohorts (gnomAD); Has not been previously published as pathogenic or benign to our knowledge